The following is an entry in ClinVar:

NM_153252.5(BRWD3):c.4667A>G (p.Asp1556Gly)

Gene: BRWD3 (bromodomain and WD repeat domain containing 3; minus strand). Cytogenetic location: Xq21.1.
Variant type: single nucleotide variant.
Coding change: c.4667A>G on transcript NM_153252.5 (MANE Select); coding-DNA position 4667, A replaced by G.
Protein change: p.Asp1556Gly; replaces aspartic acid 1556 with glycine.
Molecular consequence: missense variant.
Genome position (GRCh38, 1-based): chrX:80,677,351, T>C on the plus strand (A>G on the coding strand, the complement: BRWD3 is on the minus strand). VCF-style: chrX-80677351-T-C. GRCh37 (hg19) VCF-style: chrX-79932850-T-C.
Other names: short protein forms D1556G.
Identifiers: ClinVar variation 3731216 (VCV003731216.1).

ClinVar aggregate classification (germline): Uncertain significance (1 of 4 stars; one submission).

gnomAD v4.1: 1 of 1,198,453 alleles (0.000083%); highest among the groups gnomAD compares: Admixed American, 0.0023%; no homozygotes.

Submission:

GeneDx
Classification: Uncertain significance. Last evaluated: 2024-08-15. Review status: criteria provided, single submitter. Criteria: GeneDx Variant Classification Process June 2021. Collection method: clinical testing. Allele origin: germline. Affected: yes.
Comment: Not observed at significant frequency in large population cohorts (gnomAD); In silico analysis indicates that this missense variant does not alter protein structure/function; Has not been previously published as pathogenic or benign to our knowledge